The following is an entry in ClinVar:

ClinVar aggregate classification (germline): Uncertain significance (1 of 4 stars; one submission).

Submission:

GeneDx
Classification: Uncertain significance. Last evaluated: 2025-01-15. Review status: criteria provided, single submitter. Criteria: GeneDx Variant Classification Process June 2021. Collection method: clinical testing. Allele origin: germline. Affected: yes.
Comment: Not observed at significant frequency in large population cohorts (gnomAD); In silico analysis indicates that this missense variant does not alter protein structure/function; Has not been previously published as pathogenic or benign to our knowledge

NM_001378418.1(TCF20):c.109A>G (p.Met37Val)

Gene: TCF20 (transcription factor 20; minus strand). Cytogenetic location: 22q13.2.
Variant type: single nucleotide variant.
Coding change: c.109A>G on transcript NM_001378418.1 (MANE Select); coding-DNA position 109, A replaced by G.
Protein change: p.Met37Val; replaces methionine 37 with valine.
Molecular consequence: missense variant.
Genome position (GRCh38, 1-based): chr22:42,215,197, T>C on the plus strand (A>G on the coding strand, the complement: TCF20 is on the minus strand). VCF-style: chr22-42215197-T-C. GRCh37 (hg19) VCF-style: chr22-42611203-T-C.
Other names: c.109A>G, p.Met37Val (NM_005650.4, NM_181492.3); short protein forms M37V.
Identifiers: ClinVar variation 4070766 (VCV004070766.1).